The following is an entry in ClinVar:

ClinVar aggregate classification (germline): Uncertain significance. Review status: criteria provided, multiple submitters, no conflicts (2 of 4 stars). 2 submissions from 2 submitters: Uncertain significance (2). Last evaluated 2018-11-25.

Conditions:
Hereditary nonpolyposis colorectal neoplasms. Identifiers: MedGen C0009405, MeSH D003123.
Hereditary cancer-predisposing syndrome. Also called: Neoplastic Syndromes, Hereditary; Tumor predisposition; Hereditary Cancer Syndrome; Hereditary neoplastic syndrome. Identifiers: Orphanet 140162, MedGen C0027672, MeSH D009386, MONDO:0015356.

gnomAD v4.1: 1 of 1,614,116 alleles (0.000062%); highest among the groups gnomAD compares: Non-Finnish European, 0.000085%; no homozygotes.

Submissions (2):

Color Diagnostics, LLC DBA Color Health
Classification: Uncertain significance for Hereditary cancer-predisposing syndrome. Last evaluated: 2018-11-25. Review status: criteria provided, single submitter. Criteria: ACMG Guidelines, 2015. Collection method: clinical testing. Allele origin: germline.

Labcorp Genetics (formerly Invitae), Labcorp
Classification: Uncertain significance for Hereditary nonpolyposis colorectal neoplasms. Last evaluated: 2017-10-23. Review status: criteria provided, single submitter. Criteria: Invitae Variant Classification Sherloc (09022015). Collection method: clinical testing. Allele origin: germline.
Comment: In summary, the available evidence is currently insufficient to determine the role of this variant in disease. Therefore, it has been classified as a Variant of Uncertain Significance. Algorithms developed to predict the effect of missense changes on protein structure and function do not agree on the potential impact of this missense change (SIFT: "Deleterious"; PolyPhen-2: "Probably Damaging"; Align-GVGD: "Class C0"). This variant has not been reported in the literature in individuals with MSH6-related disease. This variant is not present in population databases (ExAC no frequency). This sequence change replaces alanine with glycine at codon 683 of the MSH6 protein (p.Ala683Gly). The alanine residue is highly conserved and there is a small physicochemical difference between alanine and glycine.

NM_000179.3(MSH6):c.2048C>G (p.Ala683Gly)

Gene: MSH6 (mutS homolog 6; plus strand). Cytogenetic location: 2p16.3.
Variant type: single nucleotide variant.
Coding change: c.2048C>G on transcript NM_000179.3 (MANE Select); coding-DNA position 2048, C replaced by G.
Protein change: p.Ala683Gly; replaces alanine 683 with glycine.
Molecular consequence: missense variant.
Genome position (GRCh38, 1-based): chr2:47,800,031, C>G. VCF-style: chr2-47800031-C-G. GRCh37 (hg19) VCF-style: chr2-48027170-C-G.
Other names: c.1658C>G, p.Ala553Gly (NM_001281492.2); c.1142C>G, p.Ala381Gly (NM_001281493.2, NM_001281494.2); short protein forms A683G, A381G, A553G.
Identifiers: ClinVar variation 525821 (VCV000525821.12), dbSNP rs747699430, ClinGen allele CA346750757.